The following is an entry in ClinVar:

ClinVar aggregate classification (germline): Pathogenic (1 of 4 stars; one submission).

Conditions:
Ehlers-Danlos syndrome, dermatosparaxis type. Also called: EDS VIIC; Dermatosparaxis; Ehlers-Danlos syndrome, type VII, autosomal recessive. Identifiers: Orphanet 1901, MedGen C2700425, MONDO:0009161, OMIM 225410.

Submission:

Myriad Genetics, Inc.
Classification: Pathogenic for Ehlers-Danlos syndrome, dermatosparaxis type. Last evaluated: 2024-05-14. Review status: criteria provided, single submitter. Criteria: Myriad Autosomal Dominant, Autosomal Recessive and X-Linked Classification Criteria (2023). Collection method: clinical testing. Allele origin: unknown.
Comment: NM_014244.4(ADAMTS2):c.120_121del2ins10(A43Rfs*125) is expected to be pathogenic in the context of Ehlers-Danlos syndrome, ADAMTS2-related. This variant is predicted to lead to an abnormal or absent protein product due to the creation of a premature termination codon in ADAMTS2, a gene where loss-of-function variants are known to be pathogenic. Please note: this variant was assessed in the context of healthy population screening.

NM_014244.5(ADAMTS2):c.120_121delinsAGCAGCACGA (p.Ala43fs)

Gene: ADAMTS2 (ADAM metallopeptidase with thrombospondin type 1 motif 2; minus strand). Cytogenetic location: 5q35.3.
Variant type: Indel.
Coding change: c.120_121delinsAGCAGCACGA on transcript NM_014244.5 (MANE Select); coding-DNA positions 120 to 121, CG replaced by AGCAGCACGA.
Protein change: p.Ala43fs; shifts the reading frame from alanine 43.
Molecular consequence: frameshift variant.
Genome position (GRCh38, 1-based): chr5:179,345,208-179,345,209, CG replaced by TCGTGCTGCT on the plus strand (CG replaced by AGCAGCACGA on the coding strand, the reverse complement: ADAMTS2 is on the minus strand). VCF-style: chr5-179345208-CG-TCGTGCTGCT. GRCh37 (hg19) VCF-style: chr5-178772209-CG-TCGTGCTGCT.
Other names: c.120_121delinsAGCAGCACGA, p.Ala43fs (NM_021599.4); short protein forms A43fs.
Identifiers: ClinVar variation 5010703 (VCV005010703.1).